The following is an entry in ClinVar:

ClinVar aggregate classification (germline): Uncertain significance (1 of 4 stars; one submission).

Conditions:
Autosomal dominant polycystic kidney disease. Identifiers: Orphanet 730, MedGen C0085413, MONDO:0004691.

Submission:

Labcorp Genetics (formerly Invitae), Labcorp
Classification: Uncertain significance for Autosomal dominant polycystic kidney disease. Last evaluated: 2025-01-15. Review status: criteria provided, single submitter. Criteria: Invitae Variant Classification Sherloc (09022015). Collection method: clinical testing. Allele origin: germline.
Comment: This sequence change replaces glutamine, which is neutral and polar, with arginine, which is basic and polar, at codon 61 of the PKD2 protein (p.Gln61Arg). This variant is not present in population databases (gnomAD no frequency). This variant has not been reported in the literature in individuals affected with PKD2-related conditions. ClinVar contains an entry for this variant (Variation ID: 2764708). An algorithm developed to predict the effect of missense changes on protein structure and function (PolyPhen-2) suggests that this variant is likely to be disruptive. In summary, the available evidence is currently insufficient to determine the role of this variant in disease. Therefore, it has been classified as a Variant of Uncertain Significance.

NM_000297.4(PKD2):c.182A>G (p.Gln61Arg)

Genes: PKD2 (polycystin 2, transient receptor potential cation channel; plus strand), LOC129992813 (ATAC-STARR-seq lymphoblastoid silent region 15559; plus strand). Cytogenetic location: 4q22.1.
Variant type: single nucleotide variant.
Coding change: c.182A>G on transcript NM_000297.4 (MANE Select); coding-DNA position 182, A replaced by G.
Protein change: p.Gln61Arg; replaces glutamine 61 with arginine.
Molecular consequence: missense variant. On other transcripts: non-coding transcript variant (1).
Genome position (GRCh38, 1-based): chr4:88,007,915, A>G. VCF-style: chr4-88007915-A-G. GRCh37 (hg19) VCF-style: chr4-88929067-A-G.
Other names: short protein forms Q61R.
Identifiers: ClinVar variation 2764708 (VCV002764708.3), dbSNP rs2476357141, ClinGen allele CA357625624.